The following is an entry in ClinVar:

ClinVar aggregate classification (germline): Uncertain significance. Review status: criteria provided, single submitter (1 of 4 stars). 2 submissions from 2 submitters: Uncertain significance (1). 1 of the submissions does not count toward it. Last evaluated 2025-05-30.

Conditions:
Inborn genetic diseases. Identifiers: MedGen C0950123, MeSH D030342.
FOCAD-related disorder. Also called: FOCAD-related condition.

Allele frequency attached by ClinVar (database versions not stated): ESP Exome Variant Server 0.00008; 1000 Genomes Project 30x 0.00016; 1000 Genomes Project 0.00020.
gnomAD v4.1: 34 of 1,612,870 alleles (0.0021%); highest among the groups gnomAD compares: Middle Eastern, 0.017%; 1 homozygote.

Submissions (2):

Ambry Genetics
Classification: Uncertain significance for Inborn genetic diseases. Last evaluated: 2025-05-30. Review status: criteria provided, single submitter. Criteria: Ambry Variant Classification Scheme 2023. Collection method: clinical testing. Allele origin: germline.

PreventionGenetics, part of Exact Sciences
Classification: Uncertain significance for FOCAD-related condition. Last evaluated: 2024-02-13. Review status: no assertion criteria provided. Collection method: clinical testing. Allele origin: germline. Not counted in ClinVar's aggregate classification.
Comment: The FOCAD c.1606A>G variant is predicted to result in the amino acid substitution p.Thr536Ala. To our knowledge, this variant has not been reported in the literature. This variant is reported in 0.013% of alleles in individuals of South Asian descent in gnomAD. At this time, the clinical significance of this variant is uncertain due to the absence of conclusive functional and genetic evidence.

NM_001375567.1(FOCAD):c.1606A>G (p.Thr536Ala)

Gene: FOCAD (focadhesin; plus strand). Cytogenetic location: 9p21.3.
Variant type: single nucleotide variant.
Coding change: c.1606A>G on transcript NM_001375567.1 (MANE Select); coding-DNA position 1606, A replaced by G.
Protein change: p.Thr536Ala; replaces threonine 536 with alanine.
Molecular consequence: missense variant.
Genome position (GRCh38, 1-based): chr9:20,820,369, A>G. VCF-style: chr9-20820369-A-G. GRCh37 (hg19) VCF-style: chr9-20820368-A-G.
Other names: c.1501A>G, p.Thr501Ala (NM_001375568.1, NM_001375570.1); c.1606A>G, p.Thr536Ala (NM_017794.5); c.1606A>G (NM_017794.3); short protein forms T501A, T536A.
Identifiers: ClinVar variation 3031511 (VCV003031511.3), dbSNP rs147380497, ClinGen allele CA5006780.